The following is an entry in ClinVar:

NM_001267550.2(TTN):c.11311+3250A>G

Gene: TTN (titin; minus strand). Cytogenetic location: 2q31.2.
Variant type: single nucleotide variant.
Coding change: c.11311+3250A>G on transcript NM_001267550.2 (MANE Select); 3250 bases into the intron after coding-DNA position 11311, A replaced by G.
Molecular consequence: intron variant. On other transcripts: missense variant (1).
Genome position (GRCh38, 1-based): chr2:178,749,874, T>C on the plus strand (A>G on the coding strand, the complement: TTN is on the minus strand). VCF-style: chr2-178749874-T-C. GRCh37 (hg19) VCF-style: chr2-179614601-T-C.
Other names: c.12526A>G, p.Ile4176Val (NM_133379.5); c.10222+3250A>G (NM_003319.4); c.10798+3250A>G (NM_133437.4); c.10597+3250A>G (NM_133432.3); c.10360+3250A>G (NM_133378.4, NM_001256850.1); short protein forms I4176V.
Identifiers: ClinVar variation 4820522 (VCV004820522.1).

ClinVar aggregate classification (germline): Likely benign (1 of 4 stars; one submission).

gnomAD v4.1: 2 of 1,613,050 alleles (0.00012%); highest among the groups gnomAD compares: Non-Finnish European, 0.00017%; no homozygotes.

Submission:

Molecular Diagnostic Laboratory for Inherited Cardiovascular Disease, Montreal Heart Institute
Classification: Likely benign. Last evaluated: 2026-03-27. Review status: criteria provided, single submitter. Criteria: ACMG Guidelines, 2015. Collection method: clinical testing. Allele origin: germline. Affected: no.
Comment: BP1